The following is an entry in ClinVar:

NM_002582.4(PARN):c.659+2dup

Gene: PARN (poly(A)-specific ribonuclease; minus strand). Cytogenetic location: 16p13.12.
Variant type: Duplication.
Coding change: c.659+2dup on transcript NM_002582.4 (MANE Select); the canonical splice donor site of the intron after coding-DNA position 659, one base duplicated (T; older notation c.659+2dupT).
Molecular consequence: splice donor variant.
Genome position (GRCh38, 1-based): chr16:14,608,279, A duplicated on the plus strand (T on the coding strand, the reverse complement: PARN is on the minus strand). VCF-style (leftmost placement, unchanged base first): chr16-14608278-T-TA. GRCh37 (hg19) VCF-style: chr16-14702135-T-TA.
Other names: c.476+2dup (NM_001134477.3); c.521+2dup (NM_001242992.2).
Identifiers: ClinVar variation 2954459 (VCV002954459.3), dbSNP rs2508334491, ClinGen allele CA2631857878.

ClinVar aggregate classification (germline): Uncertain significance (1 of 4 stars; one submission).

Conditions:
Dyskeratosis congenita, autosomal recessive 6 (DKCB6). Identifiers: MedGen C4225356, MONDO:0014600, OMIM 616353.
Pulmonary fibrosis and/or bone marrow failure, Telomere-related, 4. Also called: PULMONARY FIBROSIS AND/OR BONE MARROW FAILURE SYNDROME, TELOMERE-RELATED, 4. Identifiers: Orphanet 2032, MedGen C4225347, MONDO:0014612, OMIM 616371.

Allele frequency attached by ClinVar (database versions not stated): gnomAD exomes below 0.00001.

Submission:

Labcorp Genetics (formerly Invitae), Labcorp
Classification: Uncertain significance for Dyskeratosis congenita, autosomal recessive 6; Pulmonary fibrosis and/or bone marrow failure, Telomere-related, 4. Last evaluated: 2023-12-05. Review status: criteria provided, single submitter. Criteria: Invitae Variant Classification Sherloc (09022015). Collection method: clinical testing. Allele origin: germline.
Comment: This sequence change falls in intron 9 of the PARN gene. It does not directly change the encoded amino acid sequence of the PARN protein. It affects a nucleotide within the consensus splice site. This variant is not present in population databases (gnomAD no frequency). This variant has not been reported in the literature in individuals affected with PARN-related conditions. Variants that disrupt the consensus splice site are a relatively common cause of aberrant splicing (PMID: 17576681, 9536098). Algorithms developed to predict the effect of sequence changes on RNA splicing suggest that this variant may disrupt the consensus splice site. In summary, the available evidence is currently insufficient to determine the role of this variant in disease. Therefore, it has been classified as a Variant of Uncertain Significance.

Literature cited by the submitters: PubMed 17576681; PubMed 9536098.